The following is an entry in ClinVar:

ClinVar aggregate classification (germline): Conflicting classifications of pathogenicity. Review status: criteria provided, conflicting classifications (1 of 4 stars). 3 submissions from 3 submitters: Uncertain significance (1); Benign (2). Last evaluated 2026-09-01.

Conditions:
46,XY sex reversal 6. Also called: 46,XY SEX REVERSAL, PARTIAL OR COMPLETE, MAP3K1-RELATED; 46,XY GONADAL DYSGENESIS, PARTIAL OR COMPLETE, MAP3K1-RELATED. Identifiers: MedGen C3151064, MONDO:0013410, OMIM 613762.

Submissions (3):

CeGaT Center for Human Genetics Tuebingen
Classification: Uncertain significance. Last evaluated: 2026-09-01. Review status: criteria provided, single submitter. Criteria: CeGaT Center For Human Genetics Tuebingen Variant Classification Criteria Version 2. Collection method: clinical testing. Allele origin: germline. Affected: yes. Observed: 1 variant allele.
Comment: MAP3K1: PM2

Labcorp Genetics (formerly Invitae), Labcorp
Classification: Benign for 46,XY sex reversal 6. Last evaluated: 2025-12-20. Review status: criteria provided, single submitter. Criteria: Invitae Variant Classification Sherloc (09022015). Collection method: clinical testing. Allele origin: germline.

Genetic Services Laboratory, University of Chicago
Classification: Benign. Last evaluated: 2021-02-23. Review status: criteria provided, single submitter. Criteria: ACMG Guidelines, 2015. Collection method: clinical testing. Allele origin: germline. Affected: no.

NM_005921.2(MAP3K1):c.233_234delinsCT (p.Leu78Pro)

Genes: MAP3K1 (mitogen-activated protein kinase kinase kinase 1; plus strand), LOC129993918 (ATAC-STARR-seq lymphoblastoid silent region 16021; plus strand). Cytogenetic location: 5q11.2.
Variant type: Indel.
Coding change: c.233_234delinsCT on transcript NM_005921.2 (MANE Select); coding-DNA positions 233 to 234, TC replaced by CT.
Protein change: p.Leu78Pro; replaces leucine 78 with proline.
Molecular consequence: missense variant.
Genome position (GRCh38, 1-based): chr5:56,815,806-56,815,807, TC replaced by CT. VCF-style: chr5-56815806-TC-CT. GRCh37 (hg19) VCF-style: chr5-56111633-TC-CT.
Other names: c.233_234delinsCT (NM_005921.1); short protein forms L78P.
Identifiers: ClinVar variation 539064 (VCV000539064.16), dbSNP rs1554028405, ClinGen allele CA658796527.